The following is an entry in ClinVar:

NM_001127453.2(GSDME):c.322C>G (p.Arg108Gly)

Gene: GSDME (gasdermin E; minus strand). Cytogenetic location: 7p15.3.
Variant type: single nucleotide variant.
Coding change: c.322C>G on transcript NM_001127453.2 (MANE Select); coding-DNA position 322, C replaced by G.
Protein change: p.Arg108Gly; replaces arginine 108 with glycine.
Molecular consequence: missense variant. On other transcripts: 5 prime UTR variant (1).
Genome position (GRCh38, 1-based): chr7:24,744,644, G>C on the plus strand (C>G on the coding strand, the complement: GSDME is on the minus strand). VCF-style: chr7-24744644-G-C. GRCh37 (hg19) VCF-style: chr7-24784263-G-C.
Other names: c.-171C>G (NM_001127454.2); c.322C>G, p.Arg108Gly (NM_004403.3); short protein forms R108G.
Identifiers: ClinVar variation 3665762 (VCV003665762.2).
Genomic context (GRCh38, chr7:24,744,644, plus strand): 5'-GCTGCTGCAAATCCACCTCCTGCTTCCTCAGGGTTCCAAATGAAGACTGGCTCTCTACGC[G>C]GCTGCTGCCCCCCAGGTTCAGCTTGACCTTCCCCAGTGCAGTCTCCAGGGTTCCACTCAC-3'
Protein context (NP_001120925.1, residues 98-118): KVKLNLGGSS[Arg108Gly]VESQSSFGTL

ClinVar aggregate classification (germline): Uncertain significance (1 of 4 stars; one submission).

Submission:

Labcorp Genetics (formerly Invitae), Labcorp
Classification: Uncertain significance. Last evaluated: 2024-11-11. Review status: criteria provided, single submitter. Criteria: Invitae Variant Classification Sherloc (09022015). Collection method: clinical testing. Allele origin: germline.
Comment: This sequence change replaces arginine, which is basic and polar, with glycine, which is neutral and non-polar, at codon 108 of the DFNA5 protein (p.Arg108Gly). This variant is not present in population databases (gnomAD no frequency). This variant has not been reported in the literature in individuals affected with DFNA5-related conditions. Invitae Evidence Modeling of protein sequence and biophysical properties (such as structural, functional, and spatial information, amino acid conservation, physicochemical variation, residue mobility, and thermodynamic stability) indicates that this missense variant is not expected to disrupt DFNA5 protein function with a negative predictive value of 80%. In summary, the available evidence is currently insufficient to determine the role of this variant in disease. Therefore, it has been classified as a Variant of Uncertain Significance.